The following is an entry in ClinVar:

NM_003073.5(SMARCB1):c.277G>A (p.Ala93Thr)

Gene: SMARCB1 (SWI/SNF related BAF chromatin remodeling complex subunit B1; plus strand). Cytogenetic location: 22q11.23.
Variant type: single nucleotide variant.
Coding change: c.277G>A on transcript NM_003073.5 (MANE Select); coding-DNA position 277, G replaced by A.
Protein change: p.Ala93Thr; replaces alanine 93 with threonine.
Molecular consequence: missense variant.
Genome position (GRCh38, 1-based): chr22:23,793,603, G>A. VCF-style: chr22-23793603-G-A. GRCh37 (hg19) VCF-style: chr22-24135790-G-A.
Other names: c.250G>A, p.Ala84Thr (NM_001007468.3, NM_001317946.2); c.277G>A, p.Ala93Thr (NM_001362877.2); short protein forms A84T, A93T.
Identifiers: ClinVar variation 1435720 (VCV001435720.8), dbSNP rs2145963919, ClinGen allele CA410933725.

ClinVar aggregate classification (germline): Uncertain significance (1 of 4 stars; one submission).

Allele frequency attached by ClinVar (database versions not stated): gnomAD exomes below 0.00001.
gnomAD v4.1: 2 of 1,614,048 alleles (0.00012%); highest among the groups gnomAD compares: Non-Finnish European, 0.00017%; no homozygotes.

Submission:

Labcorp Genetics (formerly Invitae), Labcorp
Classification: Uncertain significance. Last evaluated: 2022-01-18. Review status: criteria provided, single submitter. Criteria: Invitae Variant Classification Sherloc (09022015). Collection method: clinical testing. Allele origin: germline.
Comment: In summary, the available evidence is currently insufficient to determine the role of this variant in disease. Therefore, it has been classified as a Variant of Uncertain Significance. Algorithms developed to predict the effect of missense changes on protein structure and function are either unavailable or do not agree on the potential impact of this missense change (SIFT: "Tolerated"; PolyPhen-2: "Possibly Damaging"; Align-GVGD: "Class C0"). This variant has not been reported in the literature in individuals affected with SMARCB1-related conditions. This variant is not present in population databases (gnomAD no frequency). This sequence change replaces alanine, which is neutral and non-polar, with threonine, which is neutral and polar, at codon 93 of the SMARCB1 protein (p.Ala93Thr).